The following is an entry in ClinVar:

ClinVar aggregate classification (germline): Uncertain significance (1 of 4 stars; one submission).

Submission:

Labcorp Genetics (formerly Invitae), Labcorp
Classification: Uncertain significance. Last evaluated: 2022-03-14. Review status: criteria provided, single submitter. Criteria: Invitae Variant Classification Sherloc (09022015). Collection method: clinical testing. Allele origin: germline.
Comment: In summary, the available evidence is currently insufficient to determine the role of this variant in disease. Therefore, it has been classified as a Variant of Uncertain Significance. Algorithms developed to predict the effect of missense changes on protein structure and function output the following: SIFT: "Tolerated"; PolyPhen-2: "Benign"; Align-GVGD: "Class C0". The alanine amino acid residue is found in multiple mammalian species, which suggests that this missense change does not adversely affect protein function. This variant has not been reported in the literature in individuals affected with FLVCR1-related conditions. This variant is not present in population databases (gnomAD no frequency). This sequence change replaces threonine, which is neutral and polar, with alanine, which is neutral and non-polar, at codon 292 of the FLVCR1 protein (p.Thr292Ala).

NM_014053.4(FLVCR1):c.874A>G (p.Thr292Ala)

Gene: FLVCR1 (FLVCR choline and heme transporter 1; plus strand). Cytogenetic location: 1q32.3.
Variant type: single nucleotide variant.
Coding change: c.874A>G on transcript NM_014053.4 (MANE Select); coding-DNA position 874, A replaced by G.
Protein change: p.Thr292Ala; replaces threonine 292 with alanine.
Molecular consequence: missense variant.
Genome position (GRCh38, 1-based): chr1:212,863,860, A>G. VCF-style: chr1-212863860-A-G. GRCh37 (hg19) VCF-style: chr1-213037202-A-G.
Other names: short protein forms T292A.
Identifiers: ClinVar variation 2111678 (VCV002111678.4), dbSNP rs1442329216, ClinGen allele CA344790250.
Genomic context (GRCh38, chr1:212,863,860, plus strand): 5'-TGTAATATCAGCACCATGTTTTATGGAACATCAGCTGTTGCCACACTTTTATTTATTTTA[A>G]CAGCAATTGGTAAGTGAATTACTTTCCCTAAAGCTTAAATGAATGCATGATAGAAATTTG-3'
Protein context (NP_054772.1, residues 282-302): SAVATLLFIL[Thr292Ala]AIAFKEKPRY